The following is an entry in ClinVar:

NM_024642.5(GALNT12):c.52C>G (p.Arg18Gly)

Genes: GALNT12 (polypeptide N-acetylgalactosaminyltransferase 12; plus strand), LOC130002222 (ATAC-STARR-seq lymphoblastoid silent region 20123; plus strand). Cytogenetic location: 9q22.33.
Variant type: single nucleotide variant.
Coding change: c.52C>G on transcript NM_024642.5 (MANE Select); coding-DNA position 52, C replaced by G.
Protein change: p.Arg18Gly; replaces arginine 18 with glycine.
Molecular consequence: missense variant.
Genome position (GRCh38, 1-based): chr9:98,807,750, C>G. VCF-style: chr9-98807750-C-G. GRCh37 (hg19) VCF-style: chr9-101570032-C-G.
Other names: c.52C>G (NM_024642.4); short protein forms R18G.
Identifiers: ClinVar variation 2073023 (VCV002073023.8), dbSNP rs1835406027, ClinGen allele CA374222127.

ClinVar aggregate classification (germline): Uncertain significance. Review status: criteria provided, multiple submitters, no conflicts (2 of 4 stars). 3 submissions from 3 submitters: Uncertain significance (3). Last evaluated 2025-08-14.

Conditions:
Colorectal cancer, susceptibility to, 1. Also called: COLORECTAL ADENOMA AND CANCER, SUSCEPTIBILITY TO; COLORECTAL CANCER, SUSCEPTIBILITY TO, ON CHROMOSOME 9. Identifiers: MedGen C1837315, MONDO:0012132, OMIM 608812.

gnomAD v4.1: 3 of 1,185,250 alleles (0.00025%); highest among the groups gnomAD compares: East Asian, 0.0099%; no homozygotes.

Submissions (3):

Ambry Genetics
Classification: Uncertain significance. Last evaluated: 2025-08-14. Review status: criteria provided, single submitter. Criteria: Ambry Variant Classification Scheme 2023. Collection method: clinical testing. Allele origin: germline.
Comment: The p.R18G variant (also known as c.52C>G), located in coding exon 1 of the GALNT12 gene, results from a C to G substitution at nucleotide position 52. The arginine at codon 18 is replaced by glycine, an amino acid with dissimilar properties. This amino acid position is conserved. In addition, this alteration is predicted to be tolerated by in silico analysis. Since supporting evidence is limited at this time, the clinical significance of this alteration remains unclear.

Labcorp Genetics (formerly Invitae), Labcorp
Classification: Uncertain significance. Last evaluated: 2023-08-17. Review status: criteria provided, single submitter. Criteria: Invitae Variant Classification Sherloc (09022015). Collection method: clinical testing. Allele origin: germline.
Comment: ClinVar contains an entry for this variant (Variation ID: 2073023). In summary, the available evidence is currently insufficient to determine the role of this variant in disease. Therefore, it has been classified as a Variant of Uncertain Significance. Experimental studies and prediction algorithms are not available or were not evaluated, and the functional significance of this variant is currently unknown. This variant has not been reported in the literature in individuals affected with GALNT12-related conditions. This variant is not present in population databases (gnomAD no frequency). This sequence change replaces arginine, which is basic and polar, with glycine, which is neutral and non-polar, at codon 18 of the GALNT12 protein (p.Arg18Gly).

Baylor Genetics
Classification: Uncertain significance for Colorectal cancer, susceptibility to, 1. Last evaluated: 2023-07-23. Review status: criteria provided, single submitter. Criteria: ACMG Guidelines, 2015. Collection method: clinical testing. Allele origin: unknown.